The following is an entry in ClinVar:

NM_139343.3(BIN1):c.1228C>T (p.Pro410Ser)

Gene: BIN1 (bridging integrator 1; minus strand). Cytogenetic location: 2q14.3.
Variant type: single nucleotide variant.
Coding change: c.1228C>T on transcript NM_139343.3 (MANE Select); coding-DNA position 1228, C replaced by T.
Protein change: p.Pro410Ser; replaces proline 410 with serine.
Molecular consequence: missense variant. On other transcripts: intron variant (12).
Genome position (GRCh38, 1-based): chr2:127,053,916, G>A on the plus strand (C>T on the coding strand, the complement: BIN1 is on the minus strand). VCF-style: chr2-127053916-G-A. GRCh37 (hg19) VCF-style: chr2-127811492-G-A.
Other names: c.1135C>T, p.Pro379Ser (NM_001320641.2); c.1147C>T, p.Pro383Ser (NM_001320642.1); c.1099C>T, p.Pro367Ser (NM_139344.3); c.838-3004C>T (NM_001320634.1); c.910-3004C>T (NM_139351.3); c.910-2673C>T (NM_139350.3); c.910-1554C>T (NM_139349.3); c.1039-2673C>T (NM_139348.3); and 7 more; short protein forms P367S, P383S, P410S, P379S.
Identifiers: ClinVar variation 2879789 (VCV002879789.3), dbSNP rs1683294444, ClinGen allele CA348376730.
Genomic context (GRCh38, chr2:127,053,916, plus strand): 5'-GGGCACCTGGAAGCTGGTGGGCCCATGGGCAGTGGTGGGCACAACCAACCTGACCAGAGG[G>A]CGTGGGTGCCTTCACAGGGCTCGTCACGGGCGGGAGGGGGTCAAAGTCCAGGTCCAGCAG-3'
Protein context (NP_647593.1, residues 400-420): PVTSPVKAPT[Pro410Ser]SGQSIPWDLW

ClinVar aggregate classification (germline): Uncertain significance (1 of 4 stars; one submission).

Conditions:
Myopathy, centronuclear, 2 (CNM2). Also called: MYOTUBULAR MYOPATHY, AUTOSOMAL RECESSIVE. Identifiers: Orphanet 169186, MedGen CN031787, MONDO:0009709, OMIM 255200.

Submission:

Labcorp Genetics (formerly Invitae), Labcorp
Classification: Uncertain significance for Myopathy, centronuclear, 2. Last evaluated: 2025-07-28. Review status: criteria provided, single submitter. Criteria: Invitae Variant Classification Sherloc (09022015). Collection method: clinical testing. Allele origin: germline.
Comment: This sequence change replaces proline, which is neutral and non-polar, with serine, which is neutral and polar, at codon 410 of the BIN1 protein (p.Pro410Ser). This variant is not present in population databases (gnomAD no frequency). This variant has not been reported in the literature in individuals affected with BIN1-related conditions. ClinVar contains an entry for this variant (Variation ID: 2879789). An algorithm developed to predict the effect of missense changes on protein structure and function (PolyPhen-2) suggests that this variant is likely to be tolerated. In summary, the available evidence is currently insufficient to determine the role of this variant in disease. Therefore, it has been classified as a Variant of Uncertain Significance.